The following is an entry in ClinVar:

ClinVar aggregate classification (germline): Conflicting classifications of pathogenicity. Review status: criteria provided, conflicting classifications (1 of 4 stars). 8 submissions from 8 submitters: Uncertain significance (3); Likely benign (3). 2 of the submissions do not count toward it. Last evaluated 2026-01-31.

Conditions:
Polycystic kidney disease 4 (PKD4). Also called: POLYCYSTIC KIDNEY AND HEPATIC DISEASE 1; POLYCYSTIC KIDNEY DISEASE, INFANTILE, TYPE I; Autosomal Recessive Polycystic Kidney Disease – PKHD1; POLYCYSTIC KIDNEY DISEASE 4 WITH OR WITHOUT POLYCYSTIC LIVER DISEASE; PKD3. Identifiers: MedGen C4540575, MONDO:0033004, OMIM 263200.
PKHD1-related disorder. Also called: PKHD1-related condition.
Autosomal recessive polycystic kidney disease (ARPKD). Also called: AR polycystic kidney disease. Identifiers: Orphanet 731, Orphanet 8378, MedGen C0085548, MeSH D017044, MONDO:0009889.

Allele frequency attached by ClinVar (database versions not stated): gnomAD exomes 0.00003 and 0.00009; ExAC 0.00007; TOPMed 0.00009; gnomAD 0.00011 and 0.00012.
gnomAD v4.1: 100 of 1,613,208 alleles (0.0062%); highest among the groups gnomAD compares: East Asian, 0.065%; 1 homozygote.

Submissions (8):

Labcorp Genetics (formerly Invitae), Labcorp
Classification: Likely benign for Autosomal recessive polycystic kidney disease. Last evaluated: 2026-01-31. Review status: criteria provided, single submitter. Criteria: Invitae Variant Classification Sherloc (09022015). Collection method: clinical testing. Allele origin: germline.

GeneDx
Classification: Uncertain significance. Last evaluated: 2025-03-07. Review status: criteria provided, single submitter. Criteria: GeneDx Variant Classification Process June 2021. Collection method: clinical testing. Allele origin: germline. Affected: yes.
Comment: In silico analysis indicates that this variant does not alter splicing; Has not been previously published as pathogenic or benign to our knowledge

Blueprint Genetics
Classification: Likely benign. Last evaluated: 2024-11-25. Review status: criteria provided, single submitter. Criteria: ACMG Guidelines, 2015. Collection method: clinical testing. Allele origin: germline.

Department of Pathology and Laboratory Medicine, Sinai Health System
Classification: Likely benign for Polycystic kidney disease 4. Last evaluated: 2023-03-16. Review status: criteria provided, single submitter. Criteria: ACMG Guidelines, 2015. Collection method: clinical testing. Allele origin: germline. Affected: yes.

Eurofins Ntd Llc (ga)
Classification: Uncertain significance. Last evaluated: 2018-06-05. Review status: criteria provided, single submitter. Criteria: EGL ClinVar v180209 classification definitions. Collection method: clinical testing. Allele origin: germline. Observed: 7 variant alleles, 7 heterozygotes.

Illumina Laboratory Services, Illumina
Classification: Uncertain significance for Polycystic kidney disease 4. Last evaluated: 2018-01-13. Review status: criteria provided, single submitter. Criteria: ICSL Variant Classification Criteria 13 December 2019. Collection method: clinical testing. Allele origin: germline.

PreventionGenetics, part of Exact Sciences
Classification: Likely benign for PKHD1-related condition. Last evaluated: 2021-05-07. Review status: no assertion criteria provided. Collection method: clinical testing. Allele origin: germline. Not counted in ClinVar's aggregate classification.
Comment: This variant is classified as likely benign based on ACMG/AMP sequence variant interpretation guidelines (Richards et al. 2015 PMID: 25741868, with internal and published modifications).

Natera, Inc.
Classification: Uncertain significance for Autosomal recessive polycystic kidney disease. Last evaluated: 2017-08-09. Review status: no assertion criteria provided. Collection method: clinical testing. Allele origin: germline. Not counted in ClinVar's aggregate classification.

NM_138694.4(PKHD1):c.5829C>T (p.Gly1943=)

Gene: PKHD1 (PKHD1 ciliary IPT domain containing fibrocystin/polyductin; minus strand). Cytogenetic location: 6p12.2.
Variant type: single nucleotide variant.
Coding change: c.5829C>T on transcript NM_138694.4 (MANE Select); coding-DNA position 5829, C replaced by T.
Protein change: p.Gly1943=; no amino-acid change (glycine 1943 retained).
Molecular consequence: synonymous variant.
Genome position (GRCh38, 1-based): chr6:51,959,949, G>A on the plus strand (C>T on the coding strand, the complement: PKHD1 is on the minus strand). VCF-style: chr6-51959949-G-A. GRCh37 (hg19) VCF-style: chr6-51824747-G-A.
Other names: c.5829C>T, p.Gly1943= (NM_170724.3).
Identifiers: ClinVar variation 357435 (VCV000357435.26), dbSNP rs376709130, ClinGen allele CA3852419.